The following is an entry in ClinVar:

NM_001999.4(FBN2):c.2989+14C>T

Gene: FBN2 (fibrillin 2; minus strand). Cytogenetic location: 5q23.3.
Variant type: single nucleotide variant.
Coding change: c.2989+14C>T on transcript NM_001999.4 (MANE Select); 14 bases into the intron after coding-DNA position 2989, C replaced by T.
Molecular consequence: intron variant.
Genome position (GRCh38, 1-based): chr5:128,349,333, G>A on the plus strand (C>T on the coding strand, the complement: FBN2 is on the minus strand). VCF-style: chr5-128349333-G-A. GRCh37 (hg19) VCF-style: chr5-127685025-G-A.
Identifiers: ClinVar variation 682413 (VCV000682413.1), dbSNP rs775432537, ClinGen allele CA3395379.

ClinVar aggregate classification (germline): Likely benign (1 of 4 stars; one submission).

Allele frequency attached by ClinVar (database versions not stated): gnomAD 0.00001; TOPMed 0.00001 and 0.00002; gnomAD exomes 0.00001; ExAC 0.00002.
gnomAD v4.1: 16 of 1,613,774 alleles (0.00099%); highest among the groups gnomAD compares: African/African-American, 0.0027%; no homozygotes.

Submission:

GeneDx
Classification: Likely benign. Last evaluated: 2018-04-25. Review status: criteria provided, single submitter. Criteria: GeneDx Variant Classification (06012015). Collection method: clinical testing. Allele origin: germline. Affected: yes.
Comment: This variant is considered likely benign or benign based on one or more of the following criteria: it is a conservative change, it occurs at a poorly conserved position in the protein, it is predicted to be benign by multiple in silico algorithms, and/or has population frequency not consistent with disease.